The following is an entry in ClinVar:

ClinVar aggregate classification (germline): Likely benign. Review status: criteria provided, multiple submitters, no conflicts (2 of 4 stars). 2 submissions from 2 submitters: Likely benign (2). Last evaluated 2025-06-18.

Conditions:
Inborn genetic diseases. Identifiers: MedGen C0950123, MeSH D030342.

Allele frequency attached by ClinVar (database versions not stated): ExAC 0.00001.
gnomAD v4.1: 6 of 1,613,966 alleles (0.00037%); highest among the groups gnomAD compares: East Asian, 0.0067%; no homozygotes.

Submissions (2):

Ambry Genetics
Classification: Likely benign for Inborn genetic diseases. Last evaluated: 2025-06-18. Review status: criteria provided, single submitter. Criteria: Ambry Variant Classification Scheme 2023. Collection method: clinical testing. Allele origin: germline.

CeGaT Center for Human Genetics Tuebingen
Classification: Likely benign. Last evaluated: 2023-08-01. Review status: criteria provided, single submitter. Criteria: CeGaT Center For Human Genetics Tuebingen Variant Classification Criteria Version 2. Collection method: clinical testing. Allele origin: germline. Affected: yes. Observed: 1 variant allele.
Comment: MACF1: BP4

NM_001394062.1(MACF1):c.10845C>A (p.His3615Gln)

Gene: MACF1 (microtubule actin crosslinking factor 1; plus strand). Cytogenetic location: 1p34.3.
Variant type: single nucleotide variant.
Coding change: c.10845C>A on transcript NM_001394062.1 (MANE Select); coding-DNA position 10845, C replaced by A.
Protein change: p.His3615Gln; replaces histidine 3615 with glutamine.
Molecular consequence: missense variant.
Genome position (GRCh38, 1-based): chr1:39,349,507, C>A. VCF-style: chr1-39349507-C-A. GRCh37 (hg19) VCF-style: chr1-39815179-C-A.
Other names: c.4659C>A (NM_012090.4); c.4659C>A, p.His1553Gln (NM_012090.5); short protein forms H1553Q, H3615Q.
Identifiers: ClinVar variation 2638699 (VCV002638699.25), dbSNP rs753554677, ClinGen allele CA781455.
Genomic context (GRCh38, chr1:39,349,507, plus strand): 5'-ATGTCTCTTGACCCCTTTGCATTTTAATTAGACCCTGCAGAAACAACAAAATACCTGTCA[C>A]CAGCAACTGGAGGATCTTTGCAGTTGGGTAGGACAGGCAGAAAGAGCACTGGCAGGCCAC-3'
Protein context (NP_001380991.1, residues 3605-3625): KTLQKQQNTC[His3615Gln]QQLEDLCSWV